The following is an entry in ClinVar:

ClinVar aggregate classification (germline): Likely benign (1 of 4 stars; one submission).

gnomAD v4.1: 1,137 of 1,614,130 alleles (0.07%); highest among the groups gnomAD compares: Admixed American, 0.095%; 1 homozygote.

Submission:

Mayo Clinic Laboratories, Mayo Clinic
Classification: Likely benign. Last evaluated: 2025-02-19. Review status: criteria provided, single submitter. Criteria: ACMG Guidelines, 2015. Collection method: clinical testing. Allele origin: germline. Observed: 1 variant allele.
Comment: BS2_supporting, BP4_moderate, PM2_supporting

NM_001530.4(HIF1A):c.1423G>T (p.Ala475Ser)

Genes: HIF1A (hypoxia inducible factor 1 subunit alpha; plus strand), HIF1A-AS3 (HIF1A antisense RNA 3; minus strand). Cytogenetic location: 14q23.2.
Variant type: single nucleotide variant.
Coding change: c.1423G>T on transcript NM_001530.4 (MANE Select); coding-DNA position 1423, G replaced by T.
Protein change: p.Ala475Ser; replaces alanine 475 with serine.
Molecular consequence: missense variant.
Genome position (GRCh38, 1-based): chr14:61,738,260, G>T. VCF-style: chr14-61738260-G-T. GRCh37 (hg19) VCF-style: chr14-62204978-G-T.
Other names: p.Ala475Ser; c.1495G>T, p.Ala499Ser (NM_001243084.2); c.1423G>T, p.Ala475Ser (NM_181054.3); short protein forms A475S, A499S.
Identifiers: ClinVar variation 4683859 (VCV004683859.1).
Genomic context (GRCh38, chr14:61,738,260, plus strand): 5'-ACCGCTGAAACGCCAAAGCCACTTCGAAGTAGTGCTGACCCTGCACTCAATCAAGAAGTT[G>T]CATTAAAATTAGAACCAAATCCAGAGTCACTGGAACTTTCTTTTACCATGCCCCAGATTC-3'
Protein context (NP_001521.1, residues 465-485): SADPALNQEV[Ala475Ser]LKLEPNPESL